The following is an entry in ClinVar:

ClinVar aggregate classification (germline): Pathogenic (1 of 4 stars; one submission).

Conditions:
Congenital microcephaly - severe encephalopathy - progressive cerebral atrophy syndrome. Also called: ASNS DEFICIENCY; Asparagine synthetase deficiency. Identifiers: Orphanet 391376, MedGen C3809971, MONDO:0014258, OMIM 615574.

Submission:

Myriad Genetics, Inc.
Classification: Pathogenic for Congenital microcephaly - severe encephalopathy - progressive cerebral atrophy syndrome. Last evaluated: 2024-07-23. Review status: criteria provided, single submitter. Criteria: Myriad Autosomal Dominant, Autosomal Recessive and X-Linked Classification Criteria (2023). Collection method: clinical testing. Allele origin: unknown.
Comment: NM_001673.4(ASNS):c.612T>G(Y204*) is expected to be pathogenic in the context of asparagine synthetase deficiency. This variant is predicted to lead to an abnormal or absent protein product due to the creation of a premature termination codon in ASNS, a gene where loss-of-function variants are known to be pathogenic. Please note: this variant was assessed in the context of healthy population screening.

NM_001673.5(ASNS):c.612T>G (p.Tyr204Ter)

Genes: ASNS (asparagine synthetase (glutamine-hydrolyzing); minus strand), CZ1P-ASNS (CZ1P-ASNS readthrough; minus strand). Cytogenetic location: 7q21.3.
Variant type: single nucleotide variant.
Coding change: c.612T>G on transcript NM_001673.5 (MANE Select); coding-DNA position 612, T replaced by G.
Protein change: p.Tyr204Ter; replaces tyrosine 204 with a stop codon.
Molecular consequence: nonsense. On other transcripts: non-coding transcript variant (1).
Genome position (GRCh38, 1-based): chr7:97,859,274, A>C on the plus strand (T>G on the coding strand, the complement: ASNS is on the minus strand). VCF-style: chr7-97859274-A-C. GRCh37 (hg19) VCF-style: chr7-97488586-A-C.
Other names: c.549T>G, p.Tyr183Ter (NM_001178075.2); c.363T>G, p.Tyr121Ter (NM_001178076.2, NM_001178077.1); c.612T>G, p.Tyr204Ter (NM_001352496.2, NM_133436.3, NM_183356.4); short protein forms Y121*, Y183*, Y204*.
Identifiers: ClinVar variation 5013353 (VCV005013353.1).